The following is an entry in ClinVar:

NM_005802.5(TOPORS):c.1601C>T (p.Ser534Phe)

Gene: TOPORS (TOP1 binding arginine/serine rich protein, E3 ubiquitin ligase; minus strand). Cytogenetic location: 9p21.1.
Variant type: single nucleotide variant.
Coding change: c.1601C>T on transcript NM_005802.5 (MANE Select); coding-DNA position 1601, C replaced by T.
Protein change: p.Ser534Phe; replaces serine 534 with phenylalanine.
Molecular consequence: missense variant.
Genome position (GRCh38, 1-based): chr9:32,542,924, G>A on the plus strand (C>T on the coding strand, the complement: TOPORS is on the minus strand). VCF-style: chr9-32542924-G-A. GRCh37 (hg19) VCF-style: chr9-32542922-G-A.
Other names: c.1406C>T, p.Ser469Phe (NM_001195622.2); short protein forms S534F, S469F.
Identifiers: ClinVar variation 939190 (VCV000939190.9), dbSNP rs987806775, ClinGen allele CA192358971.

ClinVar aggregate classification (germline): Uncertain significance (1 of 4 stars; one submission).

Allele frequency attached by ClinVar (database versions not stated): gnomAD exomes below 0.00001; gnomAD 0.00001; TOPMed 0.00001.
gnomAD v4.1: 3 of 1,614,008 alleles (0.00019%); highest among the groups gnomAD compares: Non-Finnish European, 0.00025%; no homozygotes.

Submission:

Labcorp Genetics (formerly Invitae), Labcorp
Classification: Uncertain significance. Last evaluated: 2022-03-19. Review status: criteria provided, single submitter. Criteria: Invitae Variant Classification Sherloc (09022015). Collection method: clinical testing. Allele origin: germline.
Comment: This variant is not present in population databases (gnomAD no frequency). This sequence change replaces serine, which is neutral and polar, with phenylalanine, which is neutral and non-polar, at codon 534 of the TOPORS protein (p.Ser534Phe). In summary, the available evidence is currently insufficient to determine the role of this variant in disease. Therefore, it has been classified as a Variant of Uncertain Significance. Algorithms developed to predict the effect of missense changes on protein structure and function are either unavailable or do not agree on the potential impact of this missense change (SIFT: "Deleterious"; PolyPhen-2: "Probably Damaging"; Align-GVGD: "Class C15"). ClinVar contains an entry for this variant (Variation ID: 939190). This variant has not been reported in the literature in individuals affected with TOPORS-related conditions.